The following is an entry in ClinVar:

ClinVar aggregate classification (germline): Likely benign (1 of 4 stars; one submission).

Allele frequency attached by ClinVar (database versions not stated): ESP Exome Variant Server 0.00058; 1000 Genomes Project 0.00200; 1000 Genomes Project 30x 0.00359.
gnomAD v4.1: 1,129 of 1,584,208 alleles (0.071%); highest among the groups gnomAD compares: Admixed American, 0.69%; 112 homozygotes.

Submission:

CeGaT Center for Human Genetics Tuebingen
Classification: Likely benign. Last evaluated: 2026-05-01. Review status: criteria provided, single submitter. Criteria: CeGaT Center For Human Genetics Tuebingen Variant Classification Criteria Version 2. Collection method: clinical testing. Allele origin: germline. Affected: yes. Observed: 2 variant alleles.
Comment: AHNAK2: BP4, BP7

NM_138420.4(AHNAK2):c.5040G>A (p.Ser1680=)

Gene: AHNAK2 (AHNAK nucleoprotein 2; minus strand). Cytogenetic location: 14q32.33.
Variant type: single nucleotide variant.
Coding change: c.5040G>A on transcript NM_138420.4 (MANE Select); coding-DNA position 5040, G replaced by A.
Protein change: p.Ser1680=; no amino-acid change (serine 1680 retained).
Molecular consequence: synonymous variant.
Genome position (GRCh38, 1-based): chr14:104,950,411, C>T on the plus strand (G>A on the coding strand, the complement: AHNAK2 is on the minus strand). VCF-style: chr14-104950411-C-T. GRCh37 (hg19) VCF-style: chr14-105416748-C-T.
Other names: c.4740G>A, p.Ser1580= (NM_001350929.2).
Identifiers: ClinVar variation 2644809 (VCV002644809.24), dbSNP rs181161422, ClinGen allele CA7382046.